The following is an entry in ClinVar:

ClinVar aggregate classification (germline): Uncertain significance (1 of 4 stars; one submission).

Allele frequency attached by ClinVar (database versions not stated): gnomAD 0.00002; ExAC 0.00005; 1000 Genomes Project 30x 0.00016; TOPMed 0.00002; 1000 Genomes Project 0.00020.
gnomAD v4.1: 32 of 1,611,730 alleles (0.002%); highest among the groups gnomAD compares: Admixed American, 0.0067%; 1 homozygote.

Submission:

Labcorp Genetics (formerly Invitae), Labcorp
Classification: Uncertain significance. Last evaluated: 2025-09-22. Review status: criteria provided, single submitter. Criteria: Invitae Variant Classification Sherloc (09022015). Collection method: clinical testing. Allele origin: germline.
Comment: This sequence change replaces arginine, which is basic and polar, with glutamine, which is neutral and polar, at codon 392 of the SUCLG2 protein (p.Arg392Gln). This variant is present in population databases (rs180701292, gnomAD 0.01%). This variant has not been reported in the literature in individuals affected with SUCLG2-related conditions. ClinVar contains an entry for this variant (Variation ID: 2753199). An algorithm developed to predict the effect of missense changes on protein structure and function (PolyPhen-2) suggests that this variant is likely to be disruptive. In summary, the available evidence is currently insufficient to determine the role of this variant in disease. Therefore, it has been classified as a Variant of Uncertain Significance.

NM_003848.4(SUCLG2):c.1175G>A (p.Arg392Gln)

Gene: SUCLG2 (succinate-CoA ligase GDP-forming subunit beta; minus strand). Cytogenetic location: 3p14.1.
Variant type: single nucleotide variant.
Coding change: c.1175G>A on transcript NM_003848.4 (MANE Select); coding-DNA position 1175, G replaced by A.
Protein change: p.Arg392Gln; replaces arginine 392 with glutamine.
Molecular consequence: missense variant.
Genome position (GRCh38, 1-based): chr3:67,400,739, C>T on the plus strand (G>A on the coding strand, the complement: SUCLG2 is on the minus strand). VCF-style: chr3-67400739-C-T. GRCh37 (hg19) VCF-style: chr3-67451163-C-T.
Other names: c.1175G>A, p.Arg392Gln (NM_001177599.2); short protein forms R392Q.
Identifiers: ClinVar variation 2753199 (VCV002753199.3), dbSNP rs180701292, ClinGen allele CA2485763.